The following is an entry in ClinVar:

ClinVar aggregate classification (germline): Likely benign (1 of 4 stars; one submission).

Allele frequency attached by ClinVar (database versions not stated): gnomAD 0.00001; TOPMed 0.00002; ExAC 0.00003.
gnomAD v4.1: 17 of 1,613,076 alleles (0.0011%); highest among the groups gnomAD compares: Admixed American, 0.0017%; no homozygotes.

Submission:

CeGaT Center for Human Genetics Tuebingen
Classification: Likely benign. Last evaluated: 2022-11-01. Review status: criteria provided, single submitter. Criteria: CeGaT Center For Human Genetics Tuebingen Variant Classification Criteria Version 2. Collection method: clinical testing. Allele origin: germline. Affected: yes. Observed: 1 variant allele.
Comment: PRDM15: BP4, BP7

NM_001040424.3(PRDM15):c.2496C>T (p.Cys832=)

Gene: PRDM15 (PR/SET domain 15; minus strand). Cytogenetic location: 21q22.3.
Variant type: single nucleotide variant.
Coding change: c.2496C>T on transcript NM_001040424.3 (MANE Select); coding-DNA position 2496, C replaced by T.
Protein change: p.Cys832=; no amino-acid change (cysteine 832 retained).
Molecular consequence: synonymous variant. On other transcripts: non-coding transcript variant (4).
Genome position (GRCh38, 1-based): chr21:41,810,310, G>A on the plus strand (C>T on the coding strand, the complement: PRDM15 is on the minus strand). VCF-style: chr21-41810310-G-A. GRCh37 (hg19) VCF-style: chr21-43230666-G-A.
Other names: c.2556C>T, p.Cys852= (NM_001282934.2); c.2694C>T, p.Cys898= (NM_022115.7); c.132C>T, p.Cys44= (NM_144771.1).
Identifiers: ClinVar variation 2652686 (VCV002652686.24), dbSNP rs749197090, ClinGen allele CA10036187.